The following is an entry in ClinVar:

ClinVar aggregate classification (germline): Uncertain significance (1 of 4 stars; one submission).

gnomAD v4.1: 4 of 1,608,322 alleles (0.00025%); highest among the groups gnomAD compares: Non-Finnish European, 0.00034%; no homozygotes.

Submission:

Labcorp Genetics (formerly Invitae), Labcorp
Classification: Uncertain significance. Last evaluated: 2024-12-02. Review status: criteria provided, single submitter. Criteria: Invitae Variant Classification Sherloc (09022015). Collection method: clinical testing. Allele origin: germline.
Comment: This sequence change replaces arginine, which is basic and polar, with cysteine, which is neutral and slightly polar, at codon 286 of the GATAD2B protein (p.Arg286Cys). The frequency data for this variant in the population databases is considered unreliable, as metrics indicate poor data quality at this position in the gnomAD database. This variant has not been reported in the literature in individuals affected with GATAD2B-related conditions. Invitae Evidence Modeling of protein sequence and biophysical properties (such as structural, functional, and spatial information, amino acid conservation, physicochemical variation, residue mobility, and thermodynamic stability) indicates that this missense variant is expected to disrupt GATAD2B protein function with a positive predictive value of 80%. In summary, the available evidence is currently insufficient to determine the role of this variant in disease. Therefore, it has been classified as a Variant of Uncertain Significance.

NM_020699.4(GATAD2B):c.856C>T (p.Arg286Cys)

Gene: GATAD2B (GATA zinc finger domain containing 2B; minus strand). Cytogenetic location: 1q21.3.
Variant type: single nucleotide variant.
Coding change: c.856C>T on transcript NM_020699.4 (MANE Select); coding-DNA position 856, C replaced by T.
Protein change: p.Arg286Cys; replaces arginine 286 with cysteine.
Molecular consequence: missense variant.
Genome position (GRCh38, 1-based): chr1:153,817,416, G>A on the plus strand (C>T on the coding strand, the complement: GATAD2B is on the minus strand). VCF-style: chr1-153817416-G-A. GRCh37 (hg19) VCF-style: chr1-153789892-G-A.
Other names: short protein forms R286C.
Identifiers: ClinVar variation 3610940 (VCV003610940.2).
Genomic context (GRCh38, chr1:153,817,416, plus strand): 5'-CTCAGCTCTCTCTTACCGGTTGATAATTGATGGCGGGATTCATGTTGGGTGTTGTGGTGC[G>A]TACAAGGCCAGGCTTAGGCGGGCCCCGCTGACCCTGTAGCTGGGCTGGGTTTGGTGCAAT-3'
Protein context (NP_065750.1, residues 276-296): QRGPPKPGLV[Arg286Cys]TTTPNMNPAI